The following is an entry in ClinVar:

ClinVar aggregate classification (germline): Pathogenic (1 of 4 stars; one submission).

Conditions:
Tuberous sclerosis 2 (TSC2). Identifiers: Orphanet 805, MedGen C1860707, MONDO:0013199, OMIM 613254.

Submission:

Labcorp Genetics (formerly Invitae), Labcorp
Classification: Pathogenic for Tuberous sclerosis 2. Last evaluated: 2022-02-03. Review status: criteria provided, single submitter. Criteria: Invitae Variant Classification Sherloc (09022015). Collection method: clinical testing. Allele origin: germline.
Comment: This sequence change creates a premature translational stop signal (p.Tyr1650*) in the TSC2 gene. It is expected to result in an absent or disrupted protein product. Loss-of-function variants in TSC2 are known to be pathogenic (PMID: 10205261, 17304050). This premature translational stop signal has been observed in individual(s) with clinical features of tuberous sclerosis complex (Invitae). ClinVar contains an entry for this variant (Variation ID: 1076715). This variant is not present in population databases (gnomAD no frequency). For these reasons, this variant has been classified as Pathogenic. Algorithms developed to predict the effect of sequence changes on RNA splicing suggest that this variant may create or strengthen a splice site.

Literature cited by the submitters: PubMed 10205261; PubMed 17304050.

NM_000548.5(TSC2):c.4950C>G (p.Tyr1650Ter)

Gene: TSC2 (TSC complex subunit 2; plus strand). Cytogenetic location: 16p13.3.
Variant type: single nucleotide variant.
Coding change: c.4950C>G on transcript NM_000548.5 (MANE Select); coding-DNA position 4950, C replaced by G.
Protein change: p.Tyr1650Ter; replaces tyrosine 1650 with a stop codon.
Molecular consequence: nonsense.
Genome position (GRCh38, 1-based): chr16:2,086,832, C>G. VCF-style: chr16-2086832-C-G. GRCh37 (hg19) VCF-style: chr16-2136833-C-G.
Other names: c.4749C>G, p.Tyr1583Ter (NM_001077183.3); c.4881C>G, p.Tyr1627Ter (NM_001114382.3); c.4641C>G, p.Tyr1547Ter (NM_001318827.2); c.4605C>G, p.Tyr1535Ter (NM_001318829.2); c.4218C>G, p.Tyr1406Ter (NM_001318831.2); c.4782C>G, p.Tyr1594Ter (NM_001318832.2); c.4752C>G, p.Tyr1584Ter (NM_001363528.2); c.4818C>G, p.Tyr1606Ter (NM_001370404.1); and 1 more; short protein forms Y1406*, Y1535*, Y1547*, Y1583*, Y1584*, Y1594*, Y1606*, Y1607*.
Identifiers: ClinVar variation 1076715 (VCV001076715.7), dbSNP rs1283177454, ClinGen allele CA394308833.
Genomic context (GRCh38, chr16:2,086,832, plus strand): 5'-GGACAAGCACCGCTGCGACAAGAAGCGCCACCTGGGCAACGACTTTGTGTCCATTGTCTA[C>G]AATGACTCCGGTGAGGACTTCAAGCTTGGCACCATCAAGGTGAGTGAGGGGCCGTCAGTG-3'